The following is an entry in ClinVar:

NM_015512.5(DNAH1):c.7037del (p.Pro2346fs)

Gene: DNAH1 (dynein axonemal heavy chain 1; plus strand). Cytogenetic location: 3p21.1.
Variant type: Deletion.
Coding change: c.7037del on transcript NM_015512.5 (MANE Select); coding-DNA position 7037, one base deleted (C; older notation c.7037delC).
Protein change: p.Pro2346fs; shifts the reading frame from proline 2346.
Molecular consequence: frameshift variant.
Genome position (GRCh38, 1-based): chr3:52,375,291, C deleted; the last of 6 consecutive C bases (chr3:52,375,286-52,375,291); deleting any one gives the same sequence. VCF-style (leftmost placement, unchanged base first): chr3-52375285-GC-G. GRCh37 (hg19) VCF-style: chr3-52409301-GC-G.
Other names: short protein forms P2346fs.
Identifiers: ClinVar variation 3750676 (VCV003750676.2).
Genomic context (GRCh38, chr3:52,375,285, plus strand): 5'-CTGCCCCTACTCCAGGTGCCTTCAAGAACCTAGTGGACATCAACTTTGTCTGTGCCATGG[GC>G]CCCCCGGGTGGAGGCAGGAACACCGTCACCCCGCGGCTGATGCGTCACTTCAACTACCTG-3'

ClinVar aggregate classification (germline): Pathogenic (1 of 4 stars; one submission).

Conditions:
Spermatogenic failure 18. Identifiers: MedGen C4539783, MONDO:0054615, OMIM 617576.
Ciliary dyskinesia, primary, 37 (CILD37). Also called: CILIARY DYSKINESIA, PRIMARY, 37, WITH OR WITHOUT SITUS INVERSUS. Identifiers: MedGen C4539798, MONDO:0033204, OMIM 617577.

Submission:

Labcorp Genetics (formerly Invitae), Labcorp
Classification: Pathogenic for Ciliary dyskinesia, primary, 37; Spermatogenic failure 18. Last evaluated: 2025-01-13. Review status: criteria provided, single submitter. Criteria: Invitae Variant Classification Sherloc (09022015). Collection method: clinical testing. Allele origin: germline.
Comment: This sequence change creates a premature translational stop signal (p.Pro2346Argfs*12) in the DNAH1 gene. It is expected to result in an absent or disrupted protein product. Loss-of-function variants in DNAH1 are known to be pathogenic (PMID: 27573432, 27798045). The frequency data for this variant in the population databases is considered unreliable, as metrics indicate poor data quality at this position in the gnomAD database. This variant has not been reported in the literature in individuals affected with DNAH1-related conditions. For these reasons, this variant has been classified as Pathogenic.

Literature cited by the submitters: PubMed 27573432; PubMed 27798045.